The following is an entry in ClinVar:

NM_017950.4(CCDC40):c.2497A>G (p.Met833Val)

Gene: CCDC40 (coiled-coil domain 40 molecular ruler complex subunit; plus strand). Cytogenetic location: 17q25.3.
Variant type: single nucleotide variant.
Coding change: c.2497A>G on transcript NM_017950.4 (MANE Select); coding-DNA position 2497, A replaced by G.
Protein change: p.Met833Val; replaces methionine 833 with valine.
Molecular consequence: missense variant.
Genome position (GRCh38, 1-based): chr17:80,087,654, A>G. VCF-style: chr17-80087654-A-G. GRCh37 (hg19) VCF-style: chr17-78061453-A-G.
Other names: c.2497A>G, p.Met833Val (NM_001243342.2); short protein forms M833V.
Identifiers: ClinVar variation 890400 (VCV000890400.6), dbSNP rs376911979, ClinGen allele CA8814227.
Genomic context (GRCh38, chr17:80,087,654, plus strand): 5'-TTTTCTGCCATAGGCAAGATTGAGCAGGAGAAGAAGGAGCAGAAGGAGATCGAGCACCAC[A>G]TGAAGGACCTGGACAACGACCTGAAGAAGCTCAACATGTTGATGAATAAAAACCGGTGCA-3'
Protein context (NP_060420.2, residues 823-843): KKEQKEIEHH[Met833Val]KDLDNDLKKL

ClinVar aggregate classification (germline): Conflicting classifications of pathogenicity. Review status: criteria provided, conflicting classifications (1 of 4 stars). 3 submissions from 3 submitters: Uncertain significance (1); Likely benign (1). 1 of the submissions does not count toward it. Last evaluated 2024-01-08.

Conditions:
Primary ciliary dyskinesia. Also called: Ciliary dyskinesia. Identifiers: Orphanet 244, MedGen C0008780, MONDO:0016575, HP:0012265.
Primary ciliary dyskinesia 15. Also called: CILIARY DYSKINESIA, PRIMARY, 15, WITH OR WITHOUT SITUS INVERSUS. Identifiers: Orphanet 244, MedGen C3151137, MONDO:0013435, OMIM 613808.

Allele frequency attached by ClinVar (database versions not stated): 1000 Genomes Project 30x 0.00016; 1000 Genomes Project 0.00020; TOPMed below 0.00001; gnomAD 0.00001 and 0.00003; gnomAD exomes 0.00004 and 0.00012; ExAC 0.00005.
gnomAD v4.1: 66 of 1,614,130 alleles (0.0041%); highest among the groups gnomAD compares: South Asian, 0.066%; no homozygotes.

Submissions (3):

Ambry Genetics
Classification: Likely benign for Primary ciliary dyskinesia. Last evaluated: 2024-01-08. Review status: criteria provided, single submitter. Criteria: Ambry Variant Classification Scheme 2023. Collection method: clinical testing. Allele origin: germline.

Illumina Laboratory Services, Illumina
Classification: Uncertain significance for Primary ciliary dyskinesia 15. Last evaluated: 2018-01-13. Review status: criteria provided, single submitter. Criteria: ICSL Variant Classification Criteria 13 December 2019. Collection method: clinical testing. Allele origin: germline.

Department of Pathology and Laboratory Medicine, Sinai Health System
Classification: Uncertain significance. Review status: no assertion criteria provided. Collection method: clinical testing. Allele origin: unknown. Affected: yes. Study: The Canadian Open Genetics Repository (COGR). Not counted in ClinVar's aggregate classification.
Comment: The CCDC40 p.Met833Val variant was not identified in the literature nor was it identified in ClinVar. The variant was identified in dbSNP (ID: rs376911979) and in control databases in 32 of 280922 chromosomes at a frequency of 0.0001139 (Genome Aggregation Database March 6, 2019, v2.1.1). The variant was observed in the following populations: South Asian in 31 of 30602 chromosomes (freq: 0.001013) and European (non-Finnish) in 1 of 128684 chromosomes (freq: 0.000008), but was not observed in the African, Latino, Ashkenazi Jewish, East Asian, European (Finnish), or Other populations. The p.Met833 residue is conserved in mammals but not in more distantly related organisms however computational analyses (PolyPhen-2, SIFT, AlignGVGD, BLOSUM, MutationTaster) do not suggest a high likelihood of impact to the protein; this information is not predictive enough to rule out pathogenicity. The variant occurs outside of the splicing consensus sequence and in silico or computational prediction software programs (SpliceSiteFinder, MaxEntScan, NNSPLICE, GeneSplicer) do not predict a difference in splicing. In summary, based on the above information the clinical significance of this variant cannot be determined with certainty at this time. This variant is classified as a variant of uncertain significance.